The following is an entry in ClinVar:

NM_018082.6(POLR3B):c.640A>G (p.Thr214Ala)

Gene: POLR3B (RNA polymerase III subunit B; plus strand). Cytogenetic location: 12q23.3.
Variant type: single nucleotide variant.
Coding change: c.640A>G on transcript NM_018082.6 (MANE Select); coding-DNA position 640, A replaced by G.
Protein change: p.Thr214Ala; replaces threonine 214 with alanine.
Molecular consequence: missense variant.
Genome position (GRCh38, 1-based): chr12:106,380,056, A>G. VCF-style: chr12-106380056-A-G. GRCh37 (hg19) VCF-style: chr12-106773834-A-G.
Other names: c.466A>G, p.Thr156Ala (NM_001160708.2); short protein forms T156A, T214A.
Identifiers: ClinVar variation 4072698 (VCV004072698.1).

ClinVar aggregate classification (germline): Uncertain significance (1 of 4 stars; one submission).

Submission:

GeneDx
Classification: Uncertain significance. Last evaluated: 2025-01-31. Review status: criteria provided, single submitter. Criteria: GeneDx Variant Classification Process June 2021. Collection method: clinical testing. Allele origin: germline. Affected: yes.
Comment: Not observed at significant frequency in large population cohorts (gnomAD); In silico analysis supports that this missense variant has a deleterious effect on protein structure/function; Has not been previously published as pathogenic or benign to our knowledge